The following is an entry in ClinVar:

ClinVar aggregate classification (germline): Benign/Likely benign. Review status: criteria provided, multiple submitters, no conflicts (2 of 4 stars). 2 submissions from 2 submitters: Benign (1); Likely benign (1). Last evaluated 2025-10-02.

Allele frequency attached by ClinVar (database versions not stated): 1000 Genomes Project 30x 0.00156; 1000 Genomes Project 0.00160; TOPMed 0.00266; gnomAD 0.00279 and 0.00282; ESP Exome Variant Server 0.00346.
gnomAD v4.1: 6,391 of 1,613,484 alleles (0.4%); highest among the groups gnomAD compares: Non-Finnish European, 0.49%; 24 homozygotes.

Submissions (2):

Labcorp Genetics (formerly Invitae), Labcorp
Classification: Benign. Last evaluated: 2025-10-02. Review status: criteria provided, single submitter. Criteria: Invitae Variant Classification Sherloc (09022015). Collection method: clinical testing. Allele origin: germline.

CeGaT Center for Human Genetics Tuebingen
Classification: Likely benign. Last evaluated: 2022-05-01. Review status: criteria provided, single submitter. Criteria: CeGaT Center For Human Genetics Tuebingen Variant Classification Criteria Version 2. Collection method: clinical testing. Allele origin: germline. Affected: yes. Observed: 1 variant allele.
Comment: SMOC2: BP4, BP7

NM_001166412.2(SMOC2):c.966G>A (p.Thr322=)

Gene: SMOC2 (SPARC related modular calcium binding 2; plus strand). Cytogenetic location: 6q27.
Variant type: single nucleotide variant.
Coding change: c.966G>A on transcript NM_001166412.2 (MANE Select); coding-DNA position 966, G replaced by A.
Protein change: p.Thr322=; no amino-acid change (threonine 322 retained).
Molecular consequence: synonymous variant.
Genome position (GRCh38, 1-based): chr6:168,650,739, G>A. VCF-style: chr6-168650739-G-A. GRCh37 (hg19) VCF-style: chr6-169051419-G-A.
Other names: c.999G>A, p.Thr333= (NM_022138.3).
Identifiers: ClinVar variation 717704 (VCV000717704.31), dbSNP rs147637517, ClinGen allele CA4102385.
Genomic context (GRCh38, chr6:168,650,739, plus strand): 5'-AGGTTGTCCGGGTGCCAAAAAGCATGAGTTTCTGACCAGCGTTCTGGACGCGCTGTCCAC[G>A]GACATGGTCCACGCCGCCTCCGACCCCTCCTCCTCGTCAGGCAGGTACGCTGTGTTCGCC-3'
Protein context (NP_001159884.1, residues 312-332): FLTSVLDALS[Thr322=]DMVHAASDPS